The following is an entry in ClinVar:

ClinVar aggregate classification (germline): Uncertain significance (1 of 4 stars; one submission).

Submission:

Labcorp Genetics (formerly Invitae), Labcorp
Classification: Uncertain significance. Last evaluated: 2024-10-27. Review status: criteria provided, single submitter. Criteria: Invitae Variant Classification Sherloc (09022015). Collection method: clinical testing. Allele origin: germline.
Comment: This sequence change replaces glutamic acid, which is acidic and polar, with aspartic acid, which is acidic and polar, at codon 306 of the MYO5B protein (p.Glu306Asp). This variant is not present in population databases (gnomAD no frequency). This variant has not been reported in the literature in individuals affected with MYO5B-related conditions. Invitae Evidence Modeling of protein sequence and biophysical properties (such as structural, functional, and spatial information, amino acid conservation, physicochemical variation, residue mobility, and thermodynamic stability) indicates that this missense variant is not expected to disrupt MYO5B protein function with a negative predictive value of 80%. In summary, the available evidence is currently insufficient to determine the role of this variant in disease. Therefore, it has been classified as a Variant of Uncertain Significance.

NM_001080467.3(MYO5B):c.918G>T (p.Glu306Asp)

Gene: MYO5B (myosin VB; minus strand). Cytogenetic location: 18q21.1.
Variant type: single nucleotide variant.
Coding change: c.918G>T on transcript NM_001080467.3 (MANE Select); coding-DNA position 918, G replaced by T.
Protein change: p.Glu306Asp; replaces glutamic acid 306 with aspartic acid.
Molecular consequence: missense variant.
Genome position (GRCh38, 1-based): chr18:49,984,746, C>A on the plus strand (G>T on the coding strand, the complement: MYO5B is on the minus strand). VCF-style: chr18-49984746-C-A. GRCh37 (hg19) VCF-style: chr18-47511116-C-A.
Other names: short protein forms E306D.
Identifiers: ClinVar variation 3716003 (VCV003716003.2).